The following is an entry in ClinVar:

NM_001267550.2(TTN):c.63528_63530delinsTGG (p.Leu21176_Asp21177delinsPheGly)

Genes: TTN (titin; minus strand), TTN-AS1 (TTN antisense RNA 1; plus strand). Cytogenetic location: 2q31.2.
Variant type: Indel.
Coding change: c.63528_63530delinsTGG on transcript NM_001267550.2 (MANE Select); coding-DNA positions 63528 to 63530, GGA replaced by TGG.
Protein change: p.Leu21176_Asp21177delinsPheGly.
Molecular consequence: missense variant.
Genome position (GRCh38, 1-based): chr2:178,587,779-178,587,781, TCC replaced by CCA on the plus strand (GGA replaced by TGG on the coding strand, the reverse complement: TTN is on the minus strand). VCF-style: chr2-178587779-TCC-CCA. GRCh37 (hg19) VCF-style: chr2-179452506-TCC-CCA.
Other names: c.58605_58607delinsTGG, p.Leu19535_Asp19536delinsPheGly (NM_001256850.1); c.36333_36335delinsTGG, p.Leu12111_Asp12112delinsPheGly (NM_003319.4); c.55824_55826delinsTGG, p.Leu18608_Asp18609delinsPheGly (NM_133378.4); c.36708_36710delinsTGG, p.Leu12236_Asp12237delinsPheGly (NM_133432.3); c.36909_36911delinsTGG, p.Leu12303_Asp12304delinsPheGly (NM_133437.4); c.36333_36335delGGAinsTGG (NM_003319.4).
Identifiers: ClinVar variation 2451853 (VCV002451853.2), dbSNP rs2469309497, ClinGen allele CA2580064784.
Genomic context (GRCh38, chr2:178,587,779, plus strand): 5'-ATAGCAAAGAGACGAATAGGGCATCCTGCTCTCACTATGACCAGTTTCCTCATGCTGGCA[TCC>CCA]AAATCAATCTCCGGAGGTTCTGCAAATGACATTAAGGTCATTAATTGATTTTTCAGAATG-3'

ClinVar aggregate classification (germline): Uncertain significance (1 of 4 stars; one submission).

Conditions:
Cardiovascular phenotype. Identifiers: MedGen CN230736.

Submission:

Ambry Genetics
Classification: Uncertain significance for Cardiovascular phenotype. Last evaluated: 2022-11-28. Review status: criteria provided, single submitter. Criteria: Ambry Variant Classification Scheme 2023. Collection method: clinical testing. Allele origin: germline.
Comment: The c.36333_36335delGGAinsTGG variant (also known as p.L12111_D12112delinsFG), located in coding exon 133 of the TTN gene, results from an in-frame deletion of GGA and insertion of TGG at nucleotide positions 36333 to 36335. This results in the substitution of the leucine and aspartic acid residues for phenylalanine and glycine residues at codons 12111 and 12112. These amino acid positions are highly conserved in available vertebrate species. In addition, this alteration is predicted to be deleterious by in silico analysis (Choi Y et al. PLoS ONE. 2012; 7(10):e46688). Since supporting evidence is limited at this time, the clinical significance of this alteration remains unclear.